The following is an entry in ClinVar:

NM_001270508.2(TNFAIP3):c.1736G>C (p.Cys579Ser)

Gene: TNFAIP3 (TNF alpha induced protein 3; plus strand). Cytogenetic location: 6q23.3.
Variant type: single nucleotide variant.
Coding change: c.1736G>C on transcript NM_001270508.2 (MANE Select); coding-DNA position 1736, G replaced by C.
Protein change: p.Cys579Ser; replaces cysteine 579 with serine.
Molecular consequence: missense variant.
Genome position (GRCh38, 1-based): chr6:137,879,181, G>C. VCF-style: chr6-137879181-G-C. GRCh37 (hg19) VCF-style: chr6-138200318-G-C.
Other names: c.1736G>C, p.Cys579Ser (NM_001270507.2, NM_006290.4); short protein forms C579S.
Identifiers: ClinVar variation 4633311 (VCV004633311.1).

ClinVar aggregate classification (germline): Uncertain significance (1 of 4 stars; one submission).

Conditions:
Inborn genetic diseases. Identifiers: MedGen C0950123, MeSH D030342.

gnomAD v4.1: 14 of 1,614,084 alleles (0.00087%); highest among the groups gnomAD compares: Admixed American, 0.0017%; no homozygotes.

Submission:

Ambry Genetics
Classification: Uncertain significance for Inborn genetic diseases. Last evaluated: 2025-10-14. Review status: criteria provided, single submitter. Criteria: Ambry Variant Classification Scheme 2023. Collection method: clinical testing. Allele origin: germline.
Comment: The c.1736G>C (p.C579S) alteration is located in exon 7 (coding exon 6) of the TNFAIP3 gene. This alteration results from a G to C substitution at nucleotide position 1736, causing the cysteine (C) at amino acid position 579 to be replaced by a serine (S). Based on data from gnomAD, the C allele has an overall frequency of 0.003% (1/31396) total alleles studied. The highest observed frequency was 0.007% (1/15428) of European (non-Finnish) alleles. Based on insufficient or conflicting evidence, the clinical significance of this alteration remains unclear.